The following is an entry in ClinVar:

NM_001374736.1(DST):c.1897G>A (p.Val633Met)

Gene: DST (dystonin; minus strand). Cytogenetic location: 6p12.1.
Variant type: single nucleotide variant.
Coding change: c.1897G>A on transcript NM_001374736.1 (MANE Select); coding-DNA position 1897, G replaced by A.
Protein change: p.Val633Met; replaces valine 633 with methionine.
Molecular consequence: missense variant.
Genome position (GRCh38, 1-based): chr6:56,642,077, C>T on the plus strand (G>A on the coding strand, the complement: DST is on the minus strand). VCF-style: chr6-56642077-C-T. GRCh37 (hg19) VCF-style: chr6-56506875-C-T.
Other names: c.1798G>A, p.Val600Met (NM_001144769.5); c.1384G>A, p.Val462Met (NM_001144770.2); c.1897G>A, p.Val633Met (NM_001374722.1); c.1264G>A, p.Val422Met (NM_001374729.1, NM_001374730.1, NM_001386100.1 and 1 more transcripts); c.1924G>A, p.Val642Met (NM_001374734.1); c.286G>A, p.Val96Met (NM_001723.7, NM_015548.5); short protein forms V600M, V96M, V462M, V422M, V633M, V642M.
Identifiers: ClinVar variation 1482455 (VCV001482455.8), dbSNP rs183335254, ClinGen allele CA364615100.
Genomic context (GRCh38, chr6:56,642,077, plus strand): 5'-GTAAAAGGTTCTCACATTCAAGTATATACCCAGCAATTTCTGCTTCATTCTGAAACTGCA[C>T]TCCTGATTCTAATCTTTTAGAATCCTGTATTTTAAAAGAACTCAGTATTAATTCTGTGAA-3'
Protein context (NP_001361665.1, residues 623-643): QSDSKRLESG[Val633Met]QFQNEAEIAG

ClinVar aggregate classification (germline): Uncertain significance (1 of 4 stars; one submission).

Conditions:
Hereditary sensory and autonomic neuropathy type 6. Also called: Neuropathy, hereditary sensory and autonomic, type VI; HSAN VI. Identifiers: Orphanet 314381, MedGen C3539003, MONDO:0013839, OMIM 614653.
Epidermolysis bullosa simplex 3, localized or generalized intermediate, with BP230 deficiency (EBS3). Also called: Epidermolysis bullosa simplex due to BP230 deficiency; Epidermolysis bullosa simplex, autosomal recessive 2. Identifiers: Orphanet 412181, MedGen C3809470, MONDO:0014180, OMIM 615425.

Allele frequency attached by ClinVar (database versions not stated): gnomAD exomes below 0.00001.

Submission:

Labcorp Genetics (formerly Invitae), Labcorp
Classification: Uncertain significance for Epidermolysis bullosa simplex 3, localized or generalized intermediate, with BP230 deficiency; Hereditary sensory and autonomic neuropathy type 6. Last evaluated: 2022-04-07. Review status: criteria provided, single submitter. Criteria: Invitae Variant Classification Sherloc (09022015). Collection method: clinical testing. Allele origin: germline.
Comment: This sequence change replaces valine, which is neutral and non-polar, with methionine, which is neutral and non-polar, at codon 96 of the DST protein (p.Val96Met). This variant is not present in population databases (gnomAD no frequency). In summary, the available evidence is currently insufficient to determine the role of this variant in disease. Therefore, it has been classified as a Variant of Uncertain Significance. Algorithms developed to predict the effect of missense changes on protein structure and function are either unavailable or do not agree on the potential impact of this missense change (SIFT: "Deleterious"; PolyPhen-2: "Benign"; Align-GVGD: "Class C0"). This variant has not been reported in the literature in individuals affected with DST-related conditions.